The following is an entry in ClinVar:

ClinVar aggregate classification (germline): Uncertain significance (1 of 4 stars; one submission).

Conditions:
Neuropathy, hereditary sensory and autonomic, type 2A (HSAN2A). Also called: ACROOSTEOLYSIS, GIACCAI TYPE; ACROOSTEOLYSIS, NEUROGENIC; WNK1-Related HSAN2 (HSAN2A); NEUROPATHY, HEREDITARY SENSORY RADICULAR, AUTOSOMAL RECESSIVE; MORVAN DISEASE; NEUROPATHY, CONGENITAL SENSORY. Identifiers: Orphanet 970, MedGen C2752089, MONDO:0024309, OMIM 201300.
Generalized epilepsy with febrile seizures plus, type 7 (GEFSP7). Also called: GEFS+, TYPE 7. Identifiers: Orphanet 36387, MedGen C2751778, MONDO:0013470, OMIM 613863.

Submission:

Labcorp Genetics (formerly Invitae), Labcorp
Classification: Uncertain significance for Neuropathy, hereditary sensory and autonomic, type 2A; Generalized epilepsy with febrile seizures plus, type 7. Last evaluated: 2025-08-05. Review status: criteria provided, single submitter. Criteria: Invitae Variant Classification Sherloc (09022015). Collection method: clinical testing. Allele origin: germline.
Comment: This sequence change replaces serine, which is neutral and polar, with glycine, which is neutral and non-polar, at codon 549 of the SCN9A protein (p.Ser549Gly). This variant is not present in population databases (gnomAD no frequency). This variant has not been reported in the literature in individuals affected with SCN9A-related conditions. Invitae Evidence Modeling of protein sequence and biophysical properties (such as structural, functional, and spatial information, amino acid conservation, physicochemical variation, residue mobility, and thermodynamic stability) indicates that this missense variant is not expected to disrupt SCN9A protein function with a negative predictive value of 95%. In summary, the available evidence is currently insufficient to determine the role of this variant in disease. Therefore, it has been classified as a Variant of Uncertain Significance.

NM_001365536.1(SCN9A):c.1645A>G (p.Ser549Gly)

Genes: SCN1A-AS1 (SCN1A and SCN9A antisense RNA 1; plus strand), SCN9A (sodium voltage-gated channel alpha subunit 9; minus strand). Cytogenetic location: 2q24.3.
Variant type: single nucleotide variant.
Coding change: c.1645A>G on transcript NM_001365536.1 (MANE Select); coding-DNA position 1645, A replaced by G.
Protein change: p.Ser549Gly; replaces serine 549 with glycine.
Molecular consequence: missense variant.
Genome position (GRCh38, 1-based): chr2:166,284,782, T>C on the plus strand (A>G on the coding strand, the complement: SCN9A is on the minus strand). VCF-style: chr2-166284782-T-C. GRCh37 (hg19) VCF-style: chr2-167141292-T-C.
Other names: c.1645A>G, p.Ser549Gly (NM_002977.4); short protein forms S549G.
Identifiers: ClinVar variation 4783437 (VCV004783437.1).
Genomic context (GRCh38, chr2:166,284,782, plus strand): 5'-CAGTCTCAGATCCTATATCTCTTCCTCTGCCTTTGAAACTAAAAAGACTTGTTCTGCTGC[T>C]TCGCCTTGCAGAAAACAAGGAGCCACGAATGCTGAGTGGTGACTGCAGAAAAATTAAAAA-3'
Protein context (NP_001352465.1, residues 539-559): IRGSLFSARR[Ser549Gly]SRTSLFSFKG